The following is an entry in ClinVar:

NM_005477.3(HCN4):c.1401C>T (p.Tyr467=)

Gene: HCN4 (hyperpolarization activated cyclic nucleotide gated potassium channel 4; minus strand). Cytogenetic location: 15q24.1.
Variant type: single nucleotide variant.
Coding change: c.1401C>T on transcript NM_005477.3 (MANE Select); coding-DNA position 1401, C replaced by T.
Protein change: p.Tyr467=; no amino-acid change (tyrosine 467 retained).
Molecular consequence: synonymous variant.
Genome position (GRCh38, 1-based): chr15:73,329,762, G>A on the plus strand (C>T on the coding strand, the complement: HCN4 is on the minus strand). VCF-style: chr15-73329762-G-A. GRCh37 (hg19) VCF-style: chr15-73622103-G-A.
Other names: p.Tyr467=.
Identifiers: ClinVar variation 391642 (VCV000391642.16), dbSNP rs753580737, ClinGen allele CA7649299.
Genomic context (GRCh38, chr15:73,329,762, plus strand): 5'-CACGGGCGCCTGCCGCCCGTAGCCGATGCACAGCATGTGGCTCATGGCCTTGAAGAGCGC[G>A]TAGGAGTACTGCTTCCCCCAGGAGTTGTTCTGTGGACAGACGGATGGGTGGGGACAGTGG-3'
Protein context (NP_005468.1, residues 457-477): VNNSWGKQYS[Tyr467=]ALFKAMSHML

ClinVar aggregate classification (germline): Benign/Likely benign. Review status: criteria provided, multiple submitters, no conflicts (2 of 4 stars). 8 submissions from 8 submitters: Benign (1); Likely benign (6). 1 of the submissions does not count toward it. Last evaluated 2025-09-10.

Conditions:
HCN4-related disorder. Also called: HCN4-related condition.
Brugada syndrome 8 (BRGDA8). Identifiers: Orphanet 130, MedGen C2751083, MONDO:0013148, OMIM 613123.
Sick sinus syndrome 2, autosomal dominant (SSS2). Also called: ATRIAL FIBRILLATION WITH BRADYARRHYTHMIA; SINUS BRADYCARDIA SYNDROME, FAMILIAL, AUTOSOMAL DOMINANT; SINUS NODE DISEASE, FAMILIAL, AUTOSOMAL DOMINANT; SICK SINUS SYNDROME 2; SICK SINUS SYNDROME 2 WITH OR WITHOUT CARDIAC NONCOMPACTION AND/OR ASCENDING AORTA DILATION. Identifiers: Orphanet 166282, MedGen C1834144, MONDO:0008102, OMIM 163800.
Epilepsy, idiopathic generalized, susceptibility to, 18. Identifiers: MedGen C5561983, MONDO:0030434, OMIM 619521.
Cardiovascular phenotype. Identifiers: MedGen CN230736.

Allele frequency attached by ClinVar (database versions not stated): gnomAD 0.00002; gnomAD exomes 0.00002 and 0.00004; TOPMed 0.00002; ExAC 0.00007.
gnomAD v4.1: 39 of 1,613,896 alleles (0.0024%); highest among the groups gnomAD compares: Non-Finnish European, 0.0027%; no homozygotes.

Submissions (8):

Labcorp Genetics (formerly Invitae), Labcorp
Classification: Likely benign for Brugada syndrome 8. Last evaluated: 2025-09-10. Review status: criteria provided, single submitter. Criteria: Invitae Variant Classification Sherloc (09022015). Collection method: clinical testing. Allele origin: germline.

Mayo Clinic Laboratories, Mayo Clinic
Classification: Likely benign. Last evaluated: 2025-05-29. Review status: criteria provided, single submitter. Criteria: ACMG Guidelines, 2015. Collection method: clinical testing. Allele origin: germline. Observed: 1 variant allele.
Comment: BP4, BP7

Women's Health and Genetics/Laboratory Corporation of America, LabCorp
Classification: Benign. Last evaluated: 2024-09-22. Review status: criteria provided, single submitter. Criteria: LabCorp Variant Classification Summary - May 2015. Collection method: clinical testing. Allele origin: germline.

Blueprint Genetics
Classification: Likely benign. Last evaluated: 2024-07-29. Review status: criteria provided, single submitter. Criteria: ACMG Guidelines, 2015. Collection method: clinical testing. Allele origin: germline.

Fulgent Genetics
Classification: Likely benign for Sick sinus syndrome 2, autosomal dominant; Brugada syndrome 8; Epilepsy, idiopathic generalized, susceptibility to, 18. Last evaluated: 2021-07-05. Review status: criteria provided, single submitter. Criteria: ACMG Guidelines, 2015. Collection method: clinical testing. Allele origin: unknown.

Ambry Genetics
Classification: Likely benign for Cardiovascular phenotype. Last evaluated: 2019-01-09. Review status: criteria provided, single submitter. Criteria: Ambry Variant Classification Scheme 2023. Collection method: clinical testing. Allele origin: germline.

GeneDx
Classification: Likely benign. Last evaluated: 2016-12-13. Review status: criteria provided, single submitter. Criteria: GeneDx Variant Classification (06012015). Collection method: clinical testing. Allele origin: germline. Affected: yes.
Comment: This variant is considered likely benign or benign based on one or more of the following criteria: it is a conservative change, it occurs at a poorly conserved position in the protein, it is predicted to be benign by multiple in silico algorithms, and/or has population frequency not consistent with disease.

PreventionGenetics, part of Exact Sciences
Classification: Likely benign for HCN4-related condition. Last evaluated: 2019-02-22. Review status: no assertion criteria provided. Collection method: clinical testing. Allele origin: germline. Not counted in ClinVar's aggregate classification.
Comment: This variant is classified as likely benign based on ACMG/AMP sequence variant interpretation guidelines (Richards et al. 2015 PMID: 25741868, with internal and published modifications).